The following is an entry in ClinVar:

NM_213655.5(WNK1):c.3096del (p.Pro1033fs)

Gene: WNK1 (WNK lysine deficient protein kinase 1; plus strand). Cytogenetic location: 12p13.33.
Variant type: Deletion.
Coding change: c.3096del on transcript NM_213655.5 (MANE Plus Clinical); coding-DNA position 3096, one base deleted (T; older notation c.3096delT).
Protein change: p.Pro1033fs; shifts the reading frame from proline 1033.
Molecular consequence: frameshift variant. On other transcripts: intron variant (2).
Genome position (GRCh38, 1-based): chr12:868,567, T deleted; the last of 2 consecutive T bases (chr12:868,566-868,567); deleting either gives the same sequence. VCF-style (leftmost placement, unchanged base first): chr12-868565-GT-G. GRCh37 (hg19) VCF-style: chr12-977731-GT-G.
Other names: c.2841del, p.Pro948fs (NM_001184985.2); c.2140-2698del (NM_018979.4, NM_014823.3); short protein forms P1033fs, P948fs.
Identifiers: ClinVar variation 1452033 (VCV001452033.8), dbSNP rs2154071932, ClinGen allele CA2573148373.
Genomic context (GRCh38, chr12:868,565, plus strand): 5'-TCTAGTATTTCTGCACCTATCAGTACAGATGCTACACGTTTGAAATTTCACCCTGTCTTT[GT>G]TCCTCATTCTGCGCCTGCTGTGTTAACTCATAACAATGAGAGCAGAAGCAACTGTGTATT-3'

ClinVar aggregate classification (germline): Pathogenic (1 of 4 stars; one submission).

Conditions:
Neuropathy, hereditary sensory and autonomic, type 2A (HSAN2A). Also called: ACROOSTEOLYSIS, GIACCAI TYPE; ACROOSTEOLYSIS, NEUROGENIC; MORVAN DISEASE; NEUROPATHY, CONGENITAL SENSORY; NEUROPATHY, HEREDITARY SENSORY RADICULAR, AUTOSOMAL RECESSIVE; NEUROPATHY, HEREDITARY SENSORY, TYPE IIA. Identifiers: Orphanet 970, MedGen C2752089, MONDO:0024309, OMIM 201300.
Pseudohypoaldosteronism type 2C (PHA2C). Also called: Pseudohypoaldosteronism Type IIC. Identifiers: Orphanet 757, Orphanet 88940, MedGen C1840391, MONDO:0013778, OMIM 614492.

Submission:

Labcorp Genetics (formerly Invitae), Labcorp
Classification: Pathogenic for Neuropathy, hereditary sensory and autonomic, type 2A; Pseudohypoaldosteronism type 2C. Last evaluated: 2021-03-25. Review status: criteria provided, single submitter. Criteria: Invitae Variant Classification Sherloc (09022015). Collection method: clinical testing. Allele origin: germline.
Comment: For these reasons, this variant has been classified as Pathogenic. This variant has been observed in individual(s) with hereditary sensory autonomic polyneuropathy (Invitae). This variant is not present in population databases (ExAC no frequency). This sequence change creates a premature translational stop signal (p.Pro1033Leufs*8) in the WNK1 gene. It is expected to result in an absent or disrupted protein product. Loss-of-function variants in WNK1 are known to be pathogenic (PMID: 22910560).

Literature cited by the submitters: PubMed 22910560.